The following is an entry in ClinVar:

ClinVar aggregate classification (germline): Likely pathogenic (1 of 4 stars; one submission).

Conditions:
Hereditary factor VIII deficiency disease (HEMA). Also called: AUTOSOMAL HEMOPHILIA A; Hemophilia A, congenital; HEM A; Factor 8 deficiency, congenital; HEMOPHILIA, CLASSIC; Hemophilia A. Identifiers: Orphanet 98878, MedGen C0019069, MONDO:0010602, OMIM 306700.

Submission:

ARUP Laboratories, Molecular Genetics and Genomics, ARUP Laboratories
Classification: Likely pathogenic for Hereditary factor VIII deficiency disease. Last evaluated: 2020-08-19. Review status: criteria provided, single submitter. Criteria: ARUP Molecular Germline Variant Investigation Process. Collection method: clinical testing. Allele origin: germline.
Comment: The F8 c.6043T>C; p.Trp2015Arg variant, also known as p.Trp1996Arg, is reported in the literature in multiple individuals affected with severe hemophilia A (Gouw 2011, Santacroce 2008). This variant is absent from general population databases (Exome Variant Server, Genome Aggregation Database), indicating it is not a common polymorphism. The tryptophan at codon 2015 is highly conserved, and computational analyses (SIFT, PolyPhen-2) predict that this variant is deleterious. Additionally, other variants at this codon (c.6045G>T; p.W1996C, c.6044G>T; p.Trp2015Leu) have been reported in individuals with hemophilia A (Liu 2002, Lu 2018, Markoff 2009). Based on available information, the p.Trp2015Arg variant is considered to be likely pathogenic. References: Gouw SC et al. Influence of the type of F8 gene mutation on inhibitor development in a single centre cohort of severe haemophilia A patients. Haemophilia. 2011;17(2):275-281. Liu ML et al. Non-inversion factor VIII mutations in 80 hemophilia A families including 24 with alloimmune responses. Thromb Haemost. 2002;87(2):273-276. Lu Y et al. Spectrum and origin of mutations in sporadic cases of haemophilia A in China. Haemophilia. 2018;24(2):291-298. Markoff A et al. Combined homology modelling and evolutionary significance evaluation of missense mutations in blood clotting factor VIII to highlight aspects of structure and function. Haemophilia. 2009;15(4):932-941. Santacroce R et al. Identification of 217 unreported mutations in the F8 gene in a group of 1,410 unselected Italian patients with hemophilia A. J Hum Genet. 2008;53(3):275-284.

NM_000132.4(F8):c.6043T>C (p.Trp2015Arg)

Gene: F8 (coagulation factor VIII; minus strand). Cytogenetic location: Xq28.
Variant type: single nucleotide variant.
Coding change: c.6043T>C on transcript NM_000132.4 (MANE Select); coding-DNA position 6043, T replaced by C.
Protein change: p.Trp2015Arg; replaces tryptophan 2015 with arginine.
Molecular consequence: missense variant.
Genome position (GRCh38, 1-based): chrX:154,902,123, A>G on the plus strand (T>C on the coding strand, the complement: F8 is on the minus strand). VCF-style: chrX-154902123-A-G. GRCh37 (hg19) VCF-style: chrX-154130398-A-G.
Other names: short protein forms W2015R.
Identifiers: ClinVar variation 993963 (VCV000993963.8), dbSNP rs2073013277, ClinGen allele CA414904969.